The following is an entry in ClinVar:

ClinVar aggregate classification (germline): Pathogenic. Review status: reviewed by expert panel (3 of 4 stars). 13 submissions from 13 submitters: Pathogenic (1). 12 of the submissions do not count toward it. Last evaluated 2024-12-03.
ClinVar aggregate classification (oncogenicity): Oncogenic (1 of 4 stars; one submission).

Conditions:
Noonan syndrome and Noonan-related syndrome. Identifiers: Orphanet 98733, MedGen C5681679, MONDO:0020297.
NRAS-related disorder. Also called: NRAS-related condition.
Colorectal cancer. Also called: Malignant Colorectal Neoplasm; Colorectal cancer, somatic. Identifiers: MedGen C0346629, MONDO:0005575, OMIM 114500.
RASopathy. Also called: Noonan spectrum disorder; rasopathies. Identifiers: Orphanet 536391, MedGen C5555857, MONDO:0021060.
Noonan syndrome (NS). Also called: Noonan's syndrome. Identifiers: Orphanet 648, MedGen C0028326, MeSH D009634, MONDO:0018997. Disease mechanism: gain of function.
Juvenile myelomonocytic leukemia (JMML). Also called: LEUKEMIA, JUVENILE MYELOMONOCYTIC, SOMATIC. Identifiers: Orphanet 86834, MedGen C0349639, MONDO:0011908, OMIM 607785, HP:0012209.
Noonan syndrome 6 (NS6). Also called: NRAS-Related Noonan Syndrome. Identifiers: Orphanet 648, MedGen C2750732, MONDO:0013186, OMIM 613224.
Neoplasm. Also called: tumor; Neoplasms; Neoplasm (disease). Identifiers: MedGen C0027651, MeSH D009369, MONDO:0005070, HP:0002664.

Allele frequency attached by ClinVar (database versions not stated): gnomAD exomes below 0.00001.
gnomAD v4.1: 4 of 1,613,986 alleles (0.00025%); highest among the groups gnomAD compares: Non-Finnish European, 0.00025%; no homozygotes.

Submissions 1 to 9 of 14:

ClinGen RASopathy Variant Curation Expert Panel
Classification: Pathogenic for RASopathy. Last evaluated: 2024-12-03. Review status: reviewed by expert panel. Criteria: ClinGen RASopathy ACMG Specifications NRAS V2.3.0. Collection method: curation. Allele origin: germline. Inheritance: Autosomal dominant inheritance.
Comment: The NM_002524.5:c.34G>A variant in NRAS is a missense variant predicted to cause substitution of glycine by serine at amino acid 12 (p.Gly12Ser). This variant is absent from gnomAD v2.1.1 (PM2_Supporting). The computational predictor REVEL gives a score of 0.612, which is neither above nor below the thresholds predicting a damaging or benign impact on NRAS function. This variant occurs at an amino acid residue defined by the ClinGen RASopathy VCEP as an amino acid residue where ≥2 different [likely] pathogenic residues changes at the same codon have been observed in ≥5 probands (PM5_Strong). This variant has been reported in 4 probands with RASopathy (PS4_Moderate; PMIDs: 26918529, 28098151, 28594414, SCV00028917.11, GeneDx). This variant has been identified as a de novo occurrence with confirmed parental relationships in 1 individual and as a de novo occurrence with unconfirmed parental relationships in 2 individuals with RASopathy (PS2_VeryStrong; PMIDs: 28098151 and 28594414, SCV000208917.11, GeneDx). In summary, this variant meets the criteria to be classified as pathogenic for autosomal dominant RASopathy based on the ACMG/AMP criteria applied, as specified by the ClinGen RASopathy VCEP: PS2_VeryStrong, PM5_Strong, PS4_Moderate, PM2_Supporting. (ClinGen RASopathy VCEP specifications version 2.3; 12/3/2024)

PreventionGenetics, part of Exact Sciences
Classification: Pathogenic for NRAS-related condition. Last evaluated: 2025-10-15. Review status: criteria provided, single submitter. Criteria: ACMG Guidelines, 2015. Collection method: clinical testing. Allele origin: germline. Not counted in ClinVar's aggregate classification.
Comment: The NRAS c.34G>A variant is predicted to result in the amino acid substitution p.Gly12Ser. This variant has been reported in the de novo state in individuals with Noonan syndrome (See for example, Altmüller et al. 2017. PubMed ID: 28594414; Marangoni et al. 2021. PubMed ID: 34906519). Additionally, this variant has been reported in an individual with acute lymphoblastic leukemia (Holmfeldt et al. 2013. PubMed ID: 23334668). This variant is interpreted as pathogenic by ClinGen RASopathy Variant Curation Expert Panel. This variant has not been reported in a large population database (gnomAD), indicating this variant is rare. This variant is interpreted as pathogenic.

Labcorp Genetics (formerly Invitae), Labcorp
Classification: Pathogenic for RASopathy. Last evaluated: 2025-07-01. Review status: criteria provided, single submitter. Criteria: Invitae Variant Classification Sherloc (09022015). Collection method: clinical testing. Allele origin: germline. Not counted in ClinVar's aggregate classification.
Comment: This sequence change replaces glycine, which is neutral and non-polar, with serine, which is neutral and polar, at codon 12 of the NRAS protein (p.Gly12Ser). This variant is not present in population databases (gnomAD no frequency). This missense change has been observed in individual(s) with clinical features of a RASopathy (PMID: 28098151, 28594414). In at least one individual the variant was observed to be de novo. ClinVar contains an entry for this variant (Variation ID: 177778). Invitae Evidence Modeling of protein sequence and biophysical properties (such as structural, functional, and spatial information, amino acid conservation, physicochemical variation, residue mobility, and thermodynamic stability) indicates that this missense variant is expected to disrupt NRAS protein function with a positive predictive value of 95%. This variant disrupts the p.Gly12 amino acid residue in NRAS. Other variant(s) that disrupt this residue have been determined to be pathogenic (PMID: 19966803, 21263000). This suggests that this residue is clinically significant, and that variants that disrupt this residue are likely to be disease-causing. For these reasons, this variant has been classified as Pathogenic.

Center for Genomic Medicine, Rigshospitalet, Copenhagen University Hospital
Classification: Oncogenic for Neoplasm. Last evaluated: 2025-03-04. Review status: criteria provided, single submitter. Criteria: ClinGen/CGC/VICC Guidelines for Oncogenicity, 2022. Collection method: clinical testing. Allele origin: somatic. Affected: yes.

Illumina Laboratory Services, Illumina
Classification: Pathogenic for Noonan syndrome 6. Last evaluated: 2024-01-03. Review status: criteria provided, single submitter. Criteria: ICSLVariantClassificationCriteria RUGD 01 April 2020. Collection method: clinical testing. Allele origin: unknown. Not counted in ClinVar's aggregate classification.
Comment: The NRAS c.34G>A p.(Gly12Ser) missense variant has been identified in individuals with a phenotype consistent with a RASopathy, including in the de novo state in at least one proband (PMID: 28594414; 28098151). The same amino acid substitution affecting the highly homologous gene HRAS has also been reported in individuals with clinical features of a RASopathy (ClinVar). Additionally, different amino acid substitutions at this same codon in both NRAS and HRAS have been reported in individuals with RASopathy phenotypes (ClinVar). A functional study conducted in non-human cells demonstrated that this variant results in a gain of function (PMID: 17823240). This variant is reported in the Genome Aggregation Database in four alleles at a frequency of 2.698x10-6 in the European (non-Finnish) population. Based on the available evidence, the c.34G>A p.(Gly12Ser) variant is classified as pathogenic for NRAS-related RASopathy.

Genomic Medicine Lab, University of California San Francisco
Classification: Pathogenic for Noonan syndrome 6. Last evaluated: 2023-09-11. Review status: criteria provided, single submitter. Criteria: ACMG Guidelines, 2015. Collection method: clinical testing. Allele origin: de novo. Affected: yes. Not counted in ClinVar's aggregate classification.

Women's Health and Genetics/Laboratory Corporation of America, LabCorp
Classification: Pathogenic for RASopathy. Last evaluated: 2023-07-24. Review status: criteria provided, single submitter. Criteria: LabCorp Variant Classification Summary - May 2015. Collection method: clinical testing. Allele origin: germline. Not counted in ClinVar's aggregate classification.
Comment: Variant summary: NRAS c.34G>A (p.Gly12Ser) results in a non-conservative amino acid change located in the Small GTP-binding protein domain of the encoded protein sequence. Three of five in-silico tools predict a damaging effect of the variant on protein function. The variant was absent in 251484 control chromosomes (gnomAD). c.34G>A has been reported in the literature in neonates affected with cystic hygroma (example: Mason-Suares_NRAS_EJHG_2017) and an individual affected with Noonan Syndrome reported as a de novo occurrence (example: Altmuller_2017). At-least one study have reported this variant affects the normal activity of the protein (example: Motoda_2007). Other variants affecting the same residue have been classified as pathogenic in ClinVar (examples: CV ID 219097, 40469, 39648, 40470). Three submitters have cited clinical-significance assessments for this variant to ClinVar after 2014. All submitters classified the variant as pathogenic. Based on the evidence outlined above, the variant was classified as pathogenic.

Clinical Laboratory Sciences Program (CLSP), King Saud bin Abdulaziz University for Health Sciences (KSAU-HS)
Classification: Pathogenic for Colorectal cancer. Last evaluated: 2023-01-01. Review status: criteria provided, single submitter. Criteria: ACMG Guidelines, 2015. Collection method: clinical testing. Allele origin: germline. Affected: yes. Not counted in ClinVar's aggregate classification.
Comment: PP5, PM1, PM5, PP3, PM2

Blueprint Genetics
Classification: Pathogenic for NRAS-related disorders. Last evaluated: 2022-12-28. Review status: criteria provided, single submitter. Criteria: ACMG Guidelines, 2015. Collection method: clinical testing. Allele origin: germline. Affected: yes. Observed: 2 variant alleles. Not counted in ClinVar's aggregate classification.

NM_002524.5(NRAS):c.34G>A (p.Gly12Ser)

Gene: NRAS (NRAS proto-oncogene, GTPase; minus strand). Cytogenetic location: 1p13.2.
Variant type: single nucleotide variant.
Coding change: c.34G>A on transcript NM_002524.5 (MANE Select); coding-DNA position 34, G replaced by A.
Protein change: p.Gly12Ser; replaces glycine 12 with serine.
Molecular consequence: missense variant.
Genome position (GRCh38, 1-based): chr1:114,716,127, C>T on the plus strand (G>A on the coding strand, the complement: NRAS is on the minus strand). VCF-style: chr1-114716127-C-T. GRCh37 (hg19) VCF-style: chr1-115258748-C-T.
Other names: p.G12S:GGT>AGT; NM_002524.5(NRAS):c.34G>A; short protein forms G12S.
Identifiers: ClinVar variation 177778 (VCV000177778.33), dbSNP rs121913250, ClinGen allele CA180753.